The following is an entry in ClinVar:

NM_201548.5(CERKL):c.872C>T (p.Thr291Ile)

Gene: CERKL (CERK like autophagy regulator; minus strand). Cytogenetic location: 2q31.3.
Variant type: single nucleotide variant.
Coding change: c.872C>T on transcript NM_201548.5 (MANE Select); coding-DNA position 872, C replaced by T.
Protein change: p.Thr291Ile; replaces threonine 291 with isoleucine.
Molecular consequence: missense variant. On other transcripts: non-coding transcript variant (2).
Genome position (GRCh38, 1-based): chr2:181,549,657, G>A on the plus strand (C>T on the coding strand, the complement: CERKL is on the minus strand). VCF-style: chr2-181549657-G-A. GRCh37 (hg19) VCF-style: chr2-182414384-G-A.
Other names: c.950C>T, p.Thr317Ile (NM_001030311.3); c.533C>T, p.Thr178Ile (NM_001030312.3); c.665C>T, p.Thr222Ile (NM_001030313.3); c.818C>T, p.Thr273Ile (NM_001160277.2); short protein forms T273I, T291I, T222I, T178I, T317I.
Identifiers: ClinVar variation 867183 (VCV000867183.3), dbSNP rs1264403798, ClinGen allele CA349737769.
Genomic context (GRCh38, chr2:181,549,657, plus strand): 5'-CCTTATAAAATATGAACTGCTTTGGAAGAATTCTTACCCATTATAATGTGCAATGTTGCA[G>A]TTATCACATGAGGAACTCCATGAAGAGAATGTGCCAATACATTGGTAGATCCTGCCAAAG-3'
Protein context (NP_963842.1, residues 281-301): HSLHGVPHVI[Thr291Ile]ATLHIIMGHV

ClinVar aggregate classification (germline): Uncertain significance. Review status: criteria provided, multiple submitters, no conflicts (2 of 4 stars). 2 submissions from 2 submitters: Uncertain significance (2). Last evaluated 2021-04-08.

Conditions:
Retinitis pigmentosa 26 (RP26). Identifiers: Orphanet 791, MedGen C1842127, MONDO:0012024, OMIM 608380.

gnomAD v4.1: 3 of 1,611,874 alleles (0.00019%); highest among the groups gnomAD compares: African/African-American, 0.0013%; no homozygotes.

Submissions (2):

Ocular Genomics Institute, Massachusetts Eye and Ear
Classification: Uncertain significance for Retinitis pigmentosa 26. Last evaluated: 2021-04-08. Review status: criteria provided, single submitter. Criteria: ACMG Guidelines, 2015. Collection method: research. Allele origin: germline. Affected: yes.
Comment: Through a review of available evidence we were able to apply the following criteria: PM2. Based on this evidence we have classified this variant as Variant of Uncertain Significance.

Blueprint Genetics
Classification: Uncertain significance. Last evaluated: 2019-07-03. Review status: criteria provided, single submitter. Criteria: ACMG Guidelines, 2015. Collection method: clinical testing. Allele origin: germline.